The following is an entry in ClinVar:

NM_032043.3(BRIP1):c.209A>C (p.Lys70Thr)

Gene: BRIP1 (BRCA1 interacting DNA helicase 1; minus strand). Cytogenetic location: 17q23.2.
Variant type: single nucleotide variant.
Coding change: c.209A>C on transcript NM_032043.3 (MANE Select); coding-DNA position 209, A replaced by C.
Protein change: p.Lys70Thr; replaces lysine 70 with threonine.
Molecular consequence: missense variant.
Genome position (GRCh38, 1-based): chr17:61,857,228, T>G on the plus strand (A>C on the coding strand, the complement: BRIP1 is on the minus strand). VCF-style: chr17-61857228-T-G. GRCh37 (hg19) VCF-style: chr17-59934589-T-G.
Other names: short protein forms K70T.
Identifiers: ClinVar variation 489821 (VCV000489821.18), dbSNP rs957072709, ClinGen allele CA292280624.

ClinVar aggregate classification (germline): Uncertain significance. Review status: criteria provided, multiple submitters, no conflicts (2 of 4 stars). 5 submissions from 5 submitters: Uncertain significance (5). Last evaluated 2025-12-30.

Conditions:
Hereditary cancer-predisposing syndrome. Also called: Tumor predisposition; Neoplastic Syndromes, Hereditary; Hereditary Cancer Syndrome; Hereditary neoplastic syndrome. Identifiers: Orphanet 140162, MedGen C0027672, MeSH D009386, MONDO:0015356.
Fanconi anemia complementation group J. Also called: BRIP1-Related Fanconi Anemia. Identifiers: Orphanet 84, MedGen C1836860, MONDO:0012187, OMIM 609054.
Familial cancer of breast. Also called: BREAST CANCER, FAMILIAL; hereditary breast carcinoma; Hereditary breast cancer. Identifiers: Orphanet 227535, MedGen C0346153, MONDO:0016419, OMIM 114480. Disease mechanism: loss of function.

Allele frequency attached by ClinVar (database versions not stated): gnomAD exomes below 0.00001; TOPMed below 0.00001; gnomAD 0.00001.
gnomAD v4.1: 4 of 1,612,880 alleles (0.00025%); highest among the groups gnomAD compares: Non-Finnish European, 0.00034%; no homozygotes.

Submissions (5):

Labcorp Genetics (formerly Invitae), Labcorp
Classification: Uncertain significance for Familial cancer of breast; Fanconi anemia complementation group J. Last evaluated: 2025-12-30. Review status: criteria provided, single submitter. Criteria: Invitae Variant Classification Sherloc (09022015). Collection method: clinical testing. Allele origin: germline.
Comment: This sequence change replaces lysine, which is basic and polar, with threonine, which is neutral and polar, at codon 70 of the BRIP1 protein (p.Lys70Thr). This variant is not present in population databases (gnomAD no frequency). This variant has not been reported in the literature in individuals affected with BRIP1-related conditions. ClinVar contains an entry for this variant (Variation ID: 489821). Invitae Evidence Modeling of protein sequence and biophysical properties (such as structural, functional, and spatial information, amino acid conservation, physicochemical variation, residue mobility, and thermodynamic stability) has been performed for this missense variant. However, the output from this modeling did not meet the statistical confidence thresholds required to predict the impact of this variant on BRIP1 protein function. In summary, the available evidence is currently insufficient to determine the role of this variant in disease. Therefore, it has been classified as a Variant of Uncertain Significance.

Ambry Genetics
Classification: Uncertain significance for Hereditary cancer-predisposing syndrome. Last evaluated: 2025-08-12. Review status: criteria provided, single submitter. Criteria: Ambry Variant Classification Scheme 2023. Collection method: clinical testing. Allele origin: germline.
Comment: The p.K70T variant (also known as c.209A>C), located in coding exon 3 of the BRIP1 gene, results from an A to C substitution at nucleotide position 209. The lysine at codon 70 is replaced by threonine, an amino acid with similar properties. This amino acid position is highly conserved in available vertebrate species. In addition, the in silico prediction for this alteration is inconclusive. Since supporting evidence is limited at this time, the clinical significance of this alteration remains unclear.

Color Diagnostics, LLC DBA Color Health
Classification: Uncertain significance for Hereditary cancer-predisposing syndrome. Last evaluated: 2024-03-06. Review status: criteria provided, single submitter. Criteria: ACMG Guidelines, 2015. Collection method: clinical testing. Allele origin: germline.
Comment: This missense variant replaces lysine with threonine at codon 70 of the BRIP1 protein. Computational prediction suggests that this variant may not impact protein structure and function (internally defined REVEL score threshold <= 0.5, PMID: 27666373). Splice site prediction tools suggest that this variant may not impact RNA splicing. To our knowledge, functional studies have not been performed for this variant. This variant has not been reported in individuals affected with hereditary cancer in the literature. This variant has not been identified in the general population by the Genome Aggregation Database (gnomAD). The available evidence is insufficient to determine the role of this variant in disease conclusively. Therefore, this variant is classified as a Variant of Uncertain Significance.

Baylor Genetics
Classification: Uncertain significance for Familial cancer of breast. Last evaluated: 2024-02-27. Review status: criteria provided, single submitter. Criteria: ACMG Guidelines, 2015. Collection method: clinical testing. Allele origin: unknown.

Department of Pathology and Laboratory Medicine, Sinai Health System
Classification: Uncertain significance for Familial cancer of breast. Last evaluated: 2023-01-31. Review status: criteria provided, single submitter. Criteria: ACMG Guidelines, 2015. Collection method: clinical testing. Allele origin: germline. Affected: yes.